The following is an entry in ClinVar:

NM_001875.5(CPS1):c.866del (p.Pro289fs)

Gene: CPS1 (carbamoyl-phosphate synthase 1; plus strand). Cytogenetic location: 2q34.
Variant type: Deletion.
Coding change: c.866del on transcript NM_001875.5 (MANE Select); coding-DNA position 866, one base deleted (C; older notation c.866delC).
Protein change: p.Pro289fs; shifts the reading frame from proline 289.
Molecular consequence: frameshift variant. On other transcripts: non-coding transcript variant (1).
Genome position (GRCh38, 1-based): chr2:210,590,825, C deleted; the last of 2 consecutive C bases (chr2:210,590,824-210,590,825); deleting either gives the same sequence. VCF-style (leftmost placement, unchanged base first): chr2-210590823-GC-G. GRCh37 (hg19) VCF-style: chr2-211455547-GC-G.
Other names: c.866del, p.Pro289fs (NM_001122633.3, NM_001369257.1); c.899del, p.Pro300fs (NM_001369256.1); short protein forms P289fs, P300fs.
Identifiers: ClinVar variation 2203247 (VCV002203247.6), dbSNP rs2469120721, ClinGen allele CA2580065567.

ClinVar aggregate classification (germline): Pathogenic/Likely pathogenic. Review status: criteria provided, multiple submitters, no conflicts (2 of 4 stars). 3 submissions from 3 submitters: Pathogenic (2); Likely pathogenic (1). Last evaluated 2026-02-13.

Conditions:
Congenital hyperammonemia, type I. Also called: Carbamoyl phosphate synthetase I deficiency disease; CPS I DEFICIENCY; Carbamoyl-phosphate synthase I deficiency; Carbamoyl phosphate synthetase 1 deficiency; Hyperammonemia due to carbamoyl phosphate synthetase 1 deficiency; CPS 1 deficiency. Identifiers: Orphanet 147, MedGen C4082171, MONDO:0009376, OMIM 237300.
Pulmonary hypertension, neonatal, susceptibility to (PHN). Identifiers: MedGen C3714958, MONDO:0014151, OMIM 615371.

Submissions (3):

Myriad Genetics, Inc.
Classification: Pathogenic for Congenital hyperammonemia, type I. Last evaluated: 2026-02-13. Review status: criteria provided, single submitter. Criteria: Myriad Autosomal Dominant, Autosomal Recessive and X-Linked Classification Criteria (2023). Collection method: clinical testing. Allele origin: unknown.
Comment: NM_001875.4(CPS1):c.866delC(P289Hfs*10) is a frameshift variant classified as pathogenic in the context of carbamoylphosphate synthetase I deficiency. P289Hfs*10 has been observed in a case with relevant disease (PMID: 21120950). Relevant functional assessments of this variant are not available in the literature. P289Hfs*10 has not been observed in referenced population frequency databases. In summary, NM_001875.4(CPS1):c.866delC(P289Hfs*10) is a frameshift variant in a gene where loss of function is a known mechanism of disease, is predicted to disrupt protein function, and has been observed more frequently in cases with the relevant disease than in healthy populations. Please note: this variant was assessed in the context of healthy population screening.

Fulgent Genetics
Classification: Likely pathogenic for Congenital hyperammonemia, type I; Pulmonary hypertension, neonatal, susceptibility to. Last evaluated: 2024-04-27. Review status: criteria provided, single submitter. Criteria: ACMG Guidelines, 2015. Collection method: clinical testing. Allele origin: germline.

Labcorp Genetics (formerly Invitae), Labcorp
Classification: Pathogenic for Congenital hyperammonemia, type I. Last evaluated: 2022-01-26. Review status: criteria provided, single submitter. Criteria: Invitae Variant Classification Sherloc (09022015). Collection method: clinical testing. Allele origin: germline.
Comment: For these reasons, this variant has been classified as Pathogenic. This premature translational stop signal has been observed in individual(s) with clinical features of carbamoyl phosphate synthetase I deficiency (PMID: 21120950). This variant is not present in population databases (gnomAD no frequency). This sequence change creates a premature translational stop signal (p.Pro289Hisfs*10) in the CPS1 gene. It is expected to result in an absent or disrupted protein product. Loss-of-function variants in CPS1 are known to be pathogenic (PMID: 21120950).

Literature cited by the submitters: PubMed 21120950 (cited by Myriad Genetics, Inc. and Labcorp Genetics (formerly Invitae), Labcorp).